The following is an entry in ClinVar:

ClinVar aggregate classification (germline): Uncertain significance. Review status: criteria provided, multiple submitters, no conflicts (2 of 4 stars). 2 submissions from 2 submitters: Uncertain significance (2). Last evaluated 2025-12-16.

Conditions:
Inborn genetic diseases. Identifiers: MedGen C0950123, MeSH D030342.

Allele frequency attached by ClinVar (database versions not stated): ExAC 0.00001; gnomAD 0.00004; TOPMed 0.00004.
gnomAD v4.1: 35 of 1,614,010 alleles (0.0022%); highest among the groups gnomAD compares: Non-Finnish European, 0.0029%; no homozygotes.

Submissions (2):

Labcorp Genetics (formerly Invitae), Labcorp
Classification: Uncertain significance. Last evaluated: 2025-12-16. Review status: criteria provided, single submitter. Criteria: Invitae Variant Classification Sherloc (09022015). Collection method: clinical testing. Allele origin: germline.
Comment: This sequence change replaces arginine, which is basic and polar, with glycine, which is neutral and non-polar, at codon 688 of the ABCB6 protein (p.Arg688Gly). This variant is present in population databases (rs781073692, gnomAD 0.002%). This variant has not been reported in the literature in individuals affected with ABCB6-related conditions. ClinVar contains an entry for this variant (Variation ID: 2249524). An algorithm developed to predict the effect of missense changes on protein structure and function (PolyPhen-2) suggests that this variant is likely to be disruptive. In summary, the available evidence is currently insufficient to determine the role of this variant in disease. Therefore, it has been classified as a Variant of Uncertain Significance.

Ambry Genetics
Classification: Uncertain significance for Inborn genetic diseases. Last evaluated: 2021-09-15. Review status: criteria provided, single submitter. Criteria: Ambry Variant Classification Scheme 2023. Collection method: clinical testing. Allele origin: germline.

NM_005689.4(ABCB6):c.2062C>G (p.Arg688Gly)

Gene: ABCB6 (ATP binding cassette subfamily B member 6 (LAN blood group); minus strand). Cytogenetic location: 2q35.
Variant type: single nucleotide variant.
Coding change: c.2062C>G on transcript NM_005689.4 (MANE Select); coding-DNA position 2062, C replaced by G.
Protein change: p.Arg688Gly; replaces arginine 688 with glycine.
Molecular consequence: missense variant.
Genome position (GRCh38, 1-based): chr2:219,211,015, G>C on the plus strand (C>G on the coding strand, the complement: ABCB6 is on the minus strand). VCF-style: chr2-219211015-G-C. GRCh37 (hg19) VCF-style: chr2-220075737-G-C.
Other names: c.1924C>G, p.Arg642Gly (NM_001349828.2); short protein forms R688G, R642G.
Identifiers: ClinVar variation 2249524 (VCV002249524.3), dbSNP rs781073692, ClinGen allele CA2119076.